The following is an entry in ClinVar:

NM_020987.5(ANK3):c.9812A>C (p.His3271Pro)

Gene: ANK3 (ankyrin 3; minus strand). Cytogenetic location: 10q21.2.
Variant type: single nucleotide variant.
Coding change: c.9812A>C on transcript NM_020987.5 (MANE Select); coding-DNA position 9812, A replaced by C.
Protein change: p.His3271Pro; replaces histidine 3271 with proline.
Molecular consequence: missense variant. On other transcripts: intron variant (4).
Genome position (GRCh38, 1-based): chr10:60,071,069, T>G on the plus strand (A>C on the coding strand, the complement: ANK3 is on the minus strand). VCF-style: chr10-60071069-T-G. GRCh37 (hg19) VCF-style: chr10-61830827-T-G.
Other names: c.4388-3060A>C (NM_001204403.2); c.4409-3060A>C (NM_001204404.2); c.4406-3060A>C (NM_001320874.2); c.1808-3060A>C (NM_001149.4); short protein forms H3271P.
Identifiers: ClinVar variation 5018054 (VCV005018054.1).

ClinVar aggregate classification (germline): Uncertain significance (1 of 4 stars; one submission).

gnomAD v4.1: 1 of 1,614,168 alleles (0.000062%); highest among the groups gnomAD compares: Non-Finnish European, 0.000085%; no homozygotes.

Submission:

GeneDx
Classification: Uncertain significance. Last evaluated: 2026-03-31. Review status: criteria provided, single submitter. Criteria: GeneDx Variant Classification Process June 2021. Collection method: clinical testing. Allele origin: germline.
Comment: Not observed at significant frequency in large population cohorts (gnomAD); In silico analysis suggests that this missense variant does not alter protein structure/function; Has not been previously published as pathogenic or benign to our knowledge